The following is an entry in ClinVar:

ClinVar aggregate classification (germline): Likely benign (1 of 4 stars; one submission).

Allele frequency attached by ClinVar (database versions not stated): ESP Exome Variant Server 0.00008; gnomAD 0.00013; ExAC 0.00016; gnomAD exomes 0.00017; TOPMed 0.00017.
gnomAD v4.1: 256 of 1,612,090 alleles (0.016%); highest among the groups gnomAD compares: Non-Finnish European, 0.02%; no homozygotes.

Submission:

CeGaT Center for Human Genetics Tuebingen
Classification: Likely benign. Last evaluated: 2023-04-01. Review status: criteria provided, single submitter. Criteria: CeGaT Center For Human Genetics Tuebingen Variant Classification Criteria Version 2. Collection method: clinical testing. Allele origin: germline. Affected: yes. Observed: 1 variant allele.
Comment: UBA6: BP4, BP7

NM_018227.6(UBA6):c.513T>C (p.Asn171=)

Gene: UBA6 (ubiquitin like modifier activating enzyme 6; minus strand). Cytogenetic location: 4q13.2.
Variant type: single nucleotide variant.
Coding change: c.513T>C on transcript NM_018227.6 (MANE Select); coding-DNA position 513, T replaced by C.
Protein change: p.Asn171=; no amino-acid change (asparagine 171 retained).
Molecular consequence: synonymous variant.
Genome position (GRCh38, 1-based): chr4:67,673,730, A>G on the plus strand (T>C on the coding strand, the complement: UBA6 is on the minus strand). VCF-style: chr4-67673730-A-G. GRCh37 (hg19) VCF-style: chr4-68539448-A-G.
Identifiers: ClinVar variation 2654781 (VCV002654781.24), dbSNP rs141217380, ClinGen allele CA2938572.